The following is an entry in ClinVar:

NM_002392.6(MDM2):c.694G>T (p.Ala232Ser)

Gene: MDM2 (MDM2 proto-oncogene; plus strand). Cytogenetic location: 12q15.
Variant type: single nucleotide variant.
Coding change: c.694G>T on transcript NM_002392.6 (MANE Select); coding-DNA position 694, G replaced by T.
Protein change: p.Ala232Ser; replaces alanine 232 with serine.
Molecular consequence: missense variant.
Genome position (GRCh38, 1-based): chr12:68,835,838, G>T. VCF-style: chr12-68835838-G-T. GRCh37 (hg19) VCF-style: chr12-69229618-G-T.
Other names: c.676G>T, p.Ala226Ser (NM_001145337.3, NM_001367990.1); c.529G>T, p.Ala177Ser (NM_001145339.2); c.166G>T, p.Ala56Ser (NM_001145340.3, NM_001278462.2); short protein forms A177S, A232S, A226S, A56S.
Identifiers: ClinVar variation 2181570 (VCV002181570.4), dbSNP rs766375101, ClinGen allele CA385703061.

ClinVar aggregate classification (germline): Uncertain significance (1 of 4 stars; one submission).

Conditions:
Accelerated tumor formation, susceptibility to (ACTFS). Identifiers: MedGen C3280690, OMIM 614401, MONDO:0013733.

gnomAD v4.1: 1 of 1,611,728 alleles (0.000062%); highest among the groups gnomAD compares: East Asian, 0.0022%; no homozygotes.

Submission:

Labcorp Genetics (formerly Invitae), Labcorp
Classification: Uncertain significance for Accelerated tumor formation, susceptibility to. Last evaluated: 2022-07-03. Review status: criteria provided, single submitter. Criteria: Invitae Variant Classification Sherloc (09022015). Collection method: clinical testing. Allele origin: germline.
Comment: In summary, the available evidence is currently insufficient to determine the role of this variant in disease. Therefore, it has been classified as a Variant of Uncertain Significance. This sequence change replaces alanine, which is neutral and non-polar, with serine, which is neutral and polar, at codon 232 of the MDM2 protein (p.Ala232Ser). This variant is present in population databases (no rsID available, gnomAD 0.006%). This variant has not been reported in the literature in individuals affected with MDM2-related conditions. Algorithms developed to predict the effect of missense changes on protein structure and function (SIFT, PolyPhen-2, Align-GVGD) all suggest that this variant is likely to be tolerated.